The following is an entry in ClinVar:

NC_000016.9:g.(?_2089925)_(2129680_?)dup

Genes: NTHL1 (nth like DNA glycosylase 1; minus strand), TSC2 (TSC complex subunit 2; plus strand). Cytogenetic location: 16p13.3.
Variant type: Duplication.
Identifiers: ClinVar variation 3243465 (VCV003243465.1).

ClinVar aggregate classification (germline): Uncertain significance (1 of 4 stars; one submission).

Conditions:
Tuberous sclerosis 2 (TSC2). Identifiers: Orphanet 805, MedGen C1860707, MONDO:0013199, OMIM 613254.

Submission:

Labcorp Genetics (formerly Invitae), Labcorp
Classification: Uncertain significance for Tuberous sclerosis 2. Last evaluated: 2023-05-08. Review status: criteria provided, single submitter. Criteria: Invitae Variant Classification Sherloc (09022015). Collection method: clinical testing. Allele origin: unknown.
Comment: In summary, the available evidence is currently insufficient to determine the role of this variant in disease. Therefore, it has been classified as a Variant of Uncertain Significance. Experimental studies and prediction algorithms are not available or were not evaluated, and the functional significance of this variant is currently unknown. This variant has not been reported in the literature in individuals affected with TSC2-related conditions. This variant results in a copy number gain of the genomic region encompassing exon(s) 1-29 of the TSC2 gene. This region includes the initiator codon of the gene. This copy number gain extends beyond the assayed region for this gene and therefore may encompass additional genes. As the precise location of this event is unknown, it may be in tandem or it may be located elsewhere in the genome.